The following continues an entry in ClinVar:

NM_000518.5(HBB):c.51del (p.Lys18fs)

ClinVar aggregate classification (germline): Pathogenic. Pathogenic (17).

Submissions 12 to 20 of 20:

Women's Health and Genetics/Laboratory Corporation of America, LabCorp
Classification: Pathogenic for Hemoglobinopathy. Last evaluated: 2016-10-31. Review status: criteria provided, single submitter. Criteria: LabCorp Variant Classification Summary - May 2015. Collection method: clinical testing. Allele origin: germline.
Comment: Variant summary: The HBB c.51delC (p.Lys18Argfs) variant results in a premature termination codon, predicted to cause a truncated or absent HBB protein due to nonsense mediated decay, which are commonly known mechanisms for disease. Truncations downstream of this position have been classified as pathogenic by our laboratory (e.g. c.85dupC, c.135delC). Mutation taster predicts a damaging outcome for this variant. This variant was found in 4/121395 control chromosomes at a frequency of 0.000033, which does not exceed the estimated maximal expected allele frequency of a pathogenic HBB variant (0.0111803). It was reported in several BTHAL patients some of whom were homologous for the variant indicating causality. In addition, multiple clinical diagnostic laboratories/reputable databases classified this variant as pathogenic. Taken together, this variant is classified as pathogenic.

Clinical Genetics and Genomics, Karolinska University Hospital
Classification: Pathogenic. Last evaluated: 2015-10-21. Review status: criteria provided, single submitter. Criteria: ACMG Guidelines, 2015. Collection method: clinical testing. Allele origin: germline. Affected: yes. Observed: 3 variant alleles.

Eurofins Ntd Llc (ga)
Classification: Pathogenic. Last evaluated: 2015-02-10. Review status: criteria provided, single submitter. Criteria: EGL Classification Definitions 2015. Collection method: clinical testing. Allele origin: germline. Observed: 2 variant alleles, 2 heterozygotes.

CENTOGENE GmbH and LLC - Guiding Precision Medicine
Classification: Pathogenic for Beta-thalassemia. Review status: criteria provided, single submitter. Criteria: ACMG Guidelines, 2015. Collection method: clinical testing. Allele origin: germline. Affected: yes.

Lifecell International Pvt. Ltd
Classification: Pathogenic for Beta-thalassemia HBB/LCRB. Review status: criteria provided, single submitter. Criteria: ACMG Guidelines, 2015. Collection method: clinical testing. Allele origin: germline. Inheritance: Autosomal recessive inheritance. Affected: yes. Observed: 1 compound heterozygote.
Comment: A Heterozygous Frameshift variant c.51delC in Exon 1 of the HBB gene that results in the amino acid substitution p.Lys18fs*2 was identified. The observed variant has a minor allele frequency of 0.00003% in gnomAD exomes and genomes, respectively. The severity of the impact of this variant on the protein is high, based on the effect of the protein and REVEL score. Rare Exome Variant Ensemble Learner (REVEL) is an ensembl method for predicting the pathogenicity of missense variants based on a combination of scores from 13 individual tools: MutPred, FATHMM v2.3, VEST 3.0, PolyPhen-2, SIFT, PROVEAN, MutationAssessor, MutationTaster, LRT, GERP++, SiPhy, phyloP, and phastCons. The REVEL score for an individual missense variant can range from 0 to 1, with higher scores reflecting greater likelihood that the variant is disease-causing. ClinVar has also classified this variant as Pathogenic (Variation ID: 15414).The variant has been previously reported by Neu-Yilik G, et al., 2011. Based on the above evidence this variant has been classified as Pathogenic according to the ACMG guidelines.

Neuberg Centre For Genomic Medicine, NCGM
Classification: Pathogenic for Beta-thalassemia HBB/LCRB. Review status: criteria provided, single submitter. Criteria: ACMG Guidelines, 2015. Collection method: clinical testing. Allele origin: germline. Inheritance: Autosomal recessive inheritance. Affected: yes.
Comment: The frameshift variant has been reported previously in homozygous and compound heterozygous state in patients affected with beta-thalassemia (Krugluger W. et al., 2002; Yasmeen H. et al., 2016). The p.Lys18ArgfsTer2 variant is reported with the allele frequency (0.003%) in the gnomad and novel in 1000 genome database. It has been submitted to ClinVar as a Pathogenic variant. This variant causes a frameshift starting with codon Lysine 18, changes this amino acid to Arginine residue, and creates a premature Stop codon at position 2 of the new reading frame, denoted p.Lys18ArgfsTer2. The variant is predicted to cause loss of normal protein function through protein truncation. Loss of function variants have been previously reported to be disease causing. For these reasons, this variant has been classified as Pathogenic. In the absence of another reportable variant , the molecular diagnosis of recessive thalassemia is not confirmed.

Molecular Genetics Laboratory, BC Children's and BC Women's Hospitals
Classification: Pathogenic for Beta thalassemia. Last evaluated: 2021-02-05. Review status: no assertion criteria provided. Criteria: ACMG Guidelines, 2015. Collection method: clinical testing. Allele origin: germline. Affected: yes. Not counted in ClinVar's aggregate classification.

The ITHANET community portal, The Cyprus Institute of Neurology and Genetics
Classification: Pathogenic for beta Thalassemia. Last evaluated: 2019-11-25. Review status: no assertion criteria provided. Collection method: curation. Allele origin: germline. Not counted in ClinVar's aggregate classification.

OMIM
Classification: Pathogenic for BETA-ZERO-THALASSEMIA. Last evaluated: 2017-02-27. Review status: no assertion criteria provided. Collection method: literature only. Allele origin: germline. Not counted in ClinVar's aggregate classification.

Literature cited by the submitters: PubMed 30868793 (cited by Natera, Inc.); PubMed 23637309 (cited by Labcorp Genetics (formerly Invitae), Labcorp); PubMed 12368169 (cited by 3 submitters); PubMed 12403498 (cited by Labcorp Genetics (formerly Invitae), Labcorp and Women's Health and Genetics/Laboratory Corporation of America, LabCorp); PubMed 27263053 (cited by 3 submitters); PubMed 33829933 (cited by Quest Diagnostics Nichols Institute San Juan Capistrano); PubMed 33602051 (cited by Quest Diagnostics Nichols Institute San Juan Capistrano); PubMed 31190580 (cited by Quest Diagnostics Nichols Institute San Juan Capistrano); PubMed 32412692 (cited by Quest Diagnostics Nichols Institute San Juan Capistrano); PubMed 30489691 (cited by Quest Diagnostics Nichols Institute San Juan Capistrano); PubMed 30046479 (cited by Quest Diagnostics Nichols Institute San Juan Capistrano); PubMed 29295702 (cited by Quest Diagnostics Nichols Institute San Juan Capistrano); PubMed 11791873 (cited by Quest Diagnostics Nichols Institute San Juan Capistrano); PubMed 6714226 (cited by 6 submitters); PubMed 2064964 (cited by Quest Diagnostics Nichols Institute San Juan Capistrano); PubMed 25412720 (cited by Quest Diagnostics Nichols Institute San Juan Capistrano); PubMed 22392582 (cited by Quest Diagnostics Nichols Institute San Juan Capistrano and Women's Health and Genetics/Laboratory Corporation of America, LabCorp); PubMed 25135424 (cited by Quest Diagnostics Nichols Institute San Juan Capistrano and Ambry Genetics); PubMed 27828729 (cited by Quest Diagnostics Nichols Institute San Juan Capistrano); PubMed 26076395 (cited by Quest Diagnostics Nichols Institute San Juan Capistrano); PubMed 19254853 (cited by Quest Diagnostics Nichols Institute San Juan Capistrano and Women's Health and Genetics/Laboratory Corporation of America, LabCorp); PubMed 18294253 (cited by 3 submitters); PubMed 21389146 (cited by Myriad Genetics, Inc. and Lifecell International Pvt. Ltd); PubMed 26594346 (cited by Ambry Genetics); PubMed 22239493 (cited by Women's Health and Genetics/Laboratory Corporation of America, LabCorp); PubMed 12779277 (cited by Women's Health and Genetics/Laboratory Corporation of America, LabCorp); PubMed 18954999 (cited by Women's Health and Genetics/Laboratory Corporation of America, LabCorp); Kazazian, H. H., Jr. Personal Communication. 1982. Baltimore, Md. (cited by OMIM).